The following is an entry in ClinVar:

ClinVar aggregate classification (germline): Uncertain significance (1 of 4 stars; one submission).

Conditions:
Muscle AMP deaminase deficiency (MMDD). Also called: Adenosine monophosphate deaminase 1 deficiency; AMP deaminase 1 deficiency; Adenosine Monophosphate Deaminase 1; Myoadenylate deaminase deficiency, myopathy due to; ADENOSINE MONOPHOSPHATE DEAMINASE-1 DEFICIENCY, MYOPATHY DUE TO; AMPD1 DEFICIENCY. Identifiers: Orphanet 45, MedGen C3714933, MONDO:0014220, OMIM 615511.

Submission:

Labcorp Genetics (formerly Invitae), Labcorp
Classification: Uncertain significance for Muscle AMP deaminase deficiency. Last evaluated: 2021-12-28. Review status: criteria provided, single submitter. Criteria: Invitae Variant Classification Sherloc (09022015). Collection method: clinical testing. Allele origin: germline.
Comment: This variant is not present in population databases (gnomAD no frequency). In summary, the available evidence is currently insufficient to determine the role of this variant in disease. Therefore, it has been classified as a Variant of Uncertain Significance. Algorithms developed to predict the effect of missense changes on protein structure and function (SIFT, PolyPhen-2, Align-GVGD) all suggest that this variant is likely to be disruptive. This variant has not been reported in the literature in individuals affected with AMPD1-related conditions. This sequence change replaces leucine, which is neutral and non-polar, with valine, which is neutral and non-polar, at codon 658 of the AMPD1 protein (p.Leu658Val).

NM_000036.3(AMPD1):c.1873C>G (p.Leu625Val)

Gene: AMPD1 (adenosine monophosphate deaminase 1; minus strand). Cytogenetic location: 1p13.2.
Variant type: single nucleotide variant.
Coding change: c.1873C>G on transcript NM_000036.3 (MANE Select); coding-DNA position 1873, C replaced by G.
Protein change: p.Leu625Val; replaces leucine 625 with valine.
Molecular consequence: missense variant.
Genome position (GRCh38, 1-based): chr1:114,674,010, G>C on the plus strand (C>G on the coding strand, the complement: AMPD1 is on the minus strand). VCF-style: chr1-114674010-G-C. GRCh37 (hg19) VCF-style: chr1-115216631-G-C.
Other names: c.1861C>G, p.Leu621Val (NM_001172626.2); short protein forms L621V, L625V.
Identifiers: ClinVar variation 2064278 (VCV002064278.4), dbSNP rs919600835, ClinGen allele CA341744729.